The following is an entry in ClinVar:

ClinVar aggregate classification (germline): Uncertain significance (1 of 4 stars; one submission).

Conditions:
Cryopyrin associated periodic syndrome (CAPS). Identifiers: Orphanet 208650, MedGen C2316212, MONDO:0016168.

Allele frequency attached by ClinVar (database versions not stated): gnomAD exomes below 0.00001 and 0.00002; ExAC 0.00001.

Submission:

Labcorp Genetics (formerly Invitae), Labcorp
Classification: Uncertain significance for Cryopyrin associated periodic syndrome. Last evaluated: 2024-01-26. Review status: criteria provided, single submitter. Criteria: Invitae Variant Classification Sherloc (09022015). Collection method: clinical testing. Allele origin: germline.
Comment: This sequence change replaces leucine, which is neutral and non-polar, with isoleucine, which is neutral and non-polar, at codon 466 of the NLRP3 protein (p.Leu466Ile). This variant is present in population databases (rs755565331, gnomAD 0.01%). This variant has not been reported in the literature in individuals affected with NLRP3-related conditions. ClinVar contains an entry for this variant (Variation ID: 955808). Algorithms developed to predict the effect of missense changes on protein structure and function output the following: SIFT: "Not Available"; PolyPhen-2: "Benign"; Align-GVGD: "Not Available". The isoleucine amino acid residue is found in multiple mammalian species, which suggests that this missense change does not adversely affect protein function. In summary, the available evidence is currently insufficient to determine the role of this variant in disease. Therefore, it has been classified as a Variant of Uncertain Significance.

NM_001243133.2(NLRP3):c.1390C>A (p.Leu464Ile)

Gene: NLRP3 (NLR family pyrin domain containing 3; plus strand). Cytogenetic location: 1q44.
Variant type: single nucleotide variant.
Coding change: c.1390C>A on transcript NM_001243133.2 (MANE Select); coding-DNA position 1390, C replaced by A.
Protein change: p.Leu464Ile; replaces leucine 464 with isoleucine.
Molecular consequence: missense variant.
Genome position (GRCh38, 1-based): chr1:247,424,839, C>A. VCF-style: chr1-247424839-C-A. GRCh37 (hg19) VCF-style: chr1-247588141-C-A.
Other names: c.1390C>A, p.Leu464Ile (NM_001079821.3, NM_001127461.3, NM_001127462.3 and 1 more transcripts); c.1396C>A, p.Leu466Ile (NM_004895.5); short protein forms L464I, L466I.
Identifiers: ClinVar variation 955808 (VCV000955808.3), dbSNP rs755565331, ClinGen allele CA1495027.